The following is an entry in ClinVar:

ClinVar aggregate classification (germline): Uncertain significance. Review status: criteria provided, multiple submitters, no conflicts (2 of 4 stars). 2 submissions from 2 submitters: Uncertain significance (2). Last evaluated 2025-10-01.

Conditions:
EP300-related disorder. Also called: EP300-related condition; EP300-related disorders.

Allele frequency attached by ClinVar (database versions not stated): TOPMed below 0.00001; gnomAD 0.00001.
gnomAD v4.1: 14 of 1,614,098 alleles (0.00087%); highest among the groups gnomAD compares: Non-Finnish European, 0.0012%; no homozygotes.

Submissions (2):

PreventionGenetics, part of Exact Sciences
Classification: Uncertain significance for EP300-related condition. Last evaluated: 2025-10-01. Review status: criteria provided, single submitter. Criteria: ACMG Guidelines, 2015. Collection method: clinical testing. Allele origin: germline.
Comment: The EP300 c.6179C>G variant is predicted to result in the amino acid substitution p.Ser2060Cys. To our knowledge, this variant has not been reported in the literature or in a large population database (gnomAD), indicating this variant is rare. At this time, the clinical significance of this variant is uncertain due to the absence of conclusive functional and genetic evidence.

GeneDx
Classification: Uncertain significance. Last evaluated: 2021-05-26. Review status: criteria provided, single submitter. Criteria: GeneDx Variant Classification Process June 2021. Collection method: clinical testing. Allele origin: germline. Affected: yes.
Comment: Has not been previously published as pathogenic or benign to our knowledge; Not observed at significant frequency in large population cohorts (Lek et al., 2016); In silico analysis supports that this missense variant has a deleterious effect on protein structure/function

NM_001429.4(EP300):c.6179C>G (p.Ser2060Cys)

Gene: EP300 (EP300 lysine acetyltransferase; plus strand). Cytogenetic location: 22q13.2.
Variant type: single nucleotide variant.
Coding change: c.6179C>G on transcript NM_001429.4 (MANE Select); coding-DNA position 6179, C replaced by G.
Protein change: p.Ser2060Cys; replaces serine 2060 with cysteine.
Molecular consequence: missense variant.
Genome position (GRCh38, 1-based): chr22:41,177,890, C>G. VCF-style: chr22-41177890-C-G. GRCh37 (hg19) VCF-style: chr22-41573894-C-G.
Other names: c.6101C>G, p.Ser2034Cys (NM_001362843.2); short protein forms S2034C, S2060C.
Identifiers: ClinVar variation 1326392 (VCV001326392.3), dbSNP rs2059211839, ClinGen allele CA411680913.